The following is an entry in ClinVar:

NM_003919.3(SGCE):c.21G>A (p.Trp7Ter)

Gene: SGCE (sarcoglycan epsilon; minus strand). Cytogenetic location: 7q21.3.
Variant type: single nucleotide variant.
Coding change: c.21G>A on transcript NM_003919.3 (MANE Select); coding-DNA position 21, G replaced by A.
Protein change: p.Trp7Ter; replaces tryptophan 7 with a stop codon.
Molecular consequence: nonsense. On other transcripts: 5 prime UTR variant (4).
Genome position (GRCh38, 1-based): chr7:94,656,078, C>T on the plus strand (G>A on the coding strand, the complement: SGCE is on the minus strand). VCF-style: chr7-94656078-C-T. GRCh37 (hg19) VCF-style: chr7-94285390-C-T.
Other names: c.21G>A, p.Trp7Ter (NM_001099400.2, NM_001099401.2, NM_001301139.2 and 4 more transcripts); c.-237G>A (NM_001346719.2); c.-315G>A (NM_001346720.2, NM_001362808.2); c.-243G>A (NM_001362807.2); short protein forms W7*.
Identifiers: ClinVar variation 586563 (VCV000586563.21), dbSNP rs201378067, ClinGen allele CA4348932.

ClinVar aggregate classification (germline): Conflicting classifications of pathogenicity. Review status: criteria provided, conflicting classifications (1 of 4 stars). 5 submissions from 5 submitters: Pathogenic (1); Likely pathogenic (2); Uncertain significance (2). Last evaluated 2026-01-09.

Conditions:
Myoclonic dystonia 11 (DYT11). Also called: Myoclonic dystonia; Dystonia 11; Dystonia, alcohol responsive; Hereditary essential myoclonus; SGCE Myoclonus-Dystonia; Myoclonus-Dystonia. Identifiers: Orphanet 36899, MedGen C1834570, MONDO:0008044, OMIM 159900.

Allele frequency attached by ClinVar (database versions not stated): gnomAD 0.00005; TOPMed 0.00007; ESP Exome Variant Server 0.00008; gnomAD exomes 0.00009; ExAC 0.00010.
gnomAD v4.1: 131 of 1,611,498 alleles (0.0081%); highest among the groups gnomAD compares: Non-Finnish European, 0.0078%; no homozygotes.

Submissions (5):

GeneDx
Classification: Likely pathogenic. Last evaluated: 2026-01-09. Review status: criteria provided, single submitter. Criteria: GeneDx Variant Classification Process June 2021. Collection method: clinical testing. Allele origin: germline. Affected: yes.
Comment: Identified in patients with features of SGCE-related dystonia in published literature (PMID: 26046366, 31186545); Nonsense variant predicted to result in protein truncation or nonsense mediated decay in a gene for which loss of function is a known mechanism of disease; This variant is associated with the following publications: (PMID: 31980526, 31186545, 26046366, 37688281)

Labcorp Genetics (formerly Invitae), Labcorp
Classification: Uncertain significance for Myoclonic dystonia 11. Last evaluated: 2024-05-22. Review status: criteria provided, single submitter. Criteria: Invitae Variant Classification Sherloc (09022015). Collection method: clinical testing. Allele origin: germline.
Comment: This sequence change creates a premature translational stop signal (p.Trp7*) in the SGCE gene. However, it is currently unclear if variants that occur in this region of the gene cause disease. This variant is present in population databases (rs201378067, gnomAD 0.1%), and has an allele count higher than expected for a pathogenic variant. This premature translational stop signal has been observed in individual(s) with dystonia (PMID: 26046366, 31186545). ClinVar contains an entry for this variant (Variation ID: 586563). In summary, the available evidence is currently insufficient to determine the role of this variant in disease. Therefore, it has been classified as a Variant of Uncertain Significance.

Pittsburgh Clinical Genomics Laboratory, University of Pittsburgh Medical Center
Classification: Likely pathogenic for Myoclonic dystonia 11. Last evaluated: 2024-04-15. Review status: criteria provided, single submitter. Criteria: ACMG Guidelines, 2015. Collection method: clinical testing. Allele origin: germline. Inheritance: Autosomal dominant inheritance. Affected: yes.
Comment: This sequence variant is a single nucleotide substitution (G>A) at coding position 21 of the SGCE gene that changes Trp7 to an early termination codon. As it occurs in exon 1 of 11, this variant is predicted to generate a non-functional allele through either the expression of a truncated protein or a loss of sarcoglycan epsilon expression due to nonsense mediated decay. This is a previously reported variant (ClinVar 586563) that has been observed in individuals affected by myoclonus-dystonia (PMID: 37688281, 31186545, 26046366, 31449710). This variant is present in 131 of 1611498 alleles (0.0081%) in the gnomAD v4.0.0 population dataset. Haploinsufficiency in SGCE is a known mechanism of disease. Based upon the evidence, we consider this variant to be likely pathogenic. ACMG Criteria: PS4, PVS1

Revvity Omics, Revvity
Classification: Pathogenic for Myoclonic dystonia 11. Last evaluated: 2022-11-03. Review status: criteria provided, single submitter. Criteria: ACMG Guidelines, 2015. Collection method: clinical testing. Allele origin: germline.

Athena Diagnostics
Classification: Uncertain significance. Last evaluated: 2017-11-03. Review status: criteria provided, single submitter. Criteria: Athena Diagnostics Criteria. Collection method: clinical testing. Allele origin: germline.

Literature cited by the submitters: PubMed 26046366 (cited by 3 submitters); PubMed 31186545 (cited by Labcorp Genetics (formerly Invitae), Labcorp and Pittsburgh Clinical Genomics Laboratory, University of Pittsburgh Medical Center); PubMed 37688281 (cited by Pittsburgh Clinical Genomics Laboratory, University of Pittsburgh Medical Center); PubMed 31449710 (cited by Pittsburgh Clinical Genomics Laboratory, University of Pittsburgh Medical Center).